The following is an entry in ClinVar:

NC_000003.12:g.67360676C>T

Gene: SUCLG2 (succinate-CoA ligase GDP-forming subunit beta; minus strand). Cytogenetic location: 3p14.1.
Variant type: single nucleotide variant.
Molecular consequence: missense variant (on NM_001177599.2).
Genome position: GRCh38 VCF-style: chr3-67360676-C-T. GRCh37 (hg19) VCF-style: chr3-67411100-C-T.
Other names: c.1276G>A, p.Ala426Thr (NM_001177599.2); short protein forms A426T.
Identifiers: ClinVar variation 1916871 (VCV001916871.4), dbSNP rs533021862, ClinGen allele CA76730660.

ClinVar aggregate classification (germline): Uncertain significance (1 of 4 stars; one submission).

Allele frequency attached by ClinVar (database versions not stated): gnomAD exomes 0.00004; 1000 Genomes Project 30x 0.00031; gnomAD 0.00002; TOPMed 0.00002; 1000 Genomes Project 0.00020.
gnomAD v4.1: 61 of 1,521,846 alleles (0.004%); highest among the groups gnomAD compares: East Asian, 0.0074%; 1 homozygote.

Submission:

Labcorp Genetics (formerly Invitae), Labcorp
Classification: Uncertain significance. Last evaluated: 2022-06-11. Review status: criteria provided, single submitter. Criteria: Invitae Variant Classification Sherloc (09022015). Collection method: clinical testing. Allele origin: germline.
Comment: In summary, the available evidence is currently insufficient to determine the role of this variant in disease. Therefore, it has been classified as a Variant of Uncertain Significance. Algorithms developed to predict the effect of missense changes on protein structure and function are either unavailable or do not agree on the potential impact of this missense change (SIFT: "Deleterious"; PolyPhen-2: "Benign"; Align-GVGD: "Class C0"). This variant has not been reported in the literature in individuals affected with SUCLG2-related conditions. This variant is present in population databases (rs533021862, gnomAD 0.004%). This sequence change replaces alanine, which is neutral and non-polar, with threonine, which is neutral and polar, at codon 426 of the SUCLG2 protein (p.Ala426Thr).